The following is an entry in ClinVar:

NM_025114.4(CEP290):c.2602C>T (p.Leu868Phe)

Gene: CEP290 (centrosomal protein 290; minus strand). Cytogenetic location: 12q21.32.
Variant type: single nucleotide variant.
Coding change: c.2602C>T on transcript NM_025114.4 (MANE Select); coding-DNA position 2602, C replaced by T.
Protein change: p.Leu868Phe; replaces leucine 868 with phenylalanine.
Molecular consequence: missense variant.
Genome position (GRCh38, 1-based): chr12:88,106,890, G>A on the plus strand (C>T on the coding strand, the complement: CEP290 is on the minus strand). VCF-style: chr12-88106890-G-A. GRCh37 (hg19) VCF-style: chr12-88500667-G-A.
Other names: short protein forms L868F.
Identifiers: ClinVar variation 1896585 (VCV001896585.5), dbSNP rs2500623125, ClinGen allele CA385971590.

ClinVar aggregate classification (germline): Uncertain significance (1 of 4 stars; one submission).

Conditions:
Nephronophthisis. Also called: Juvenile Nephronophthisis. Identifiers: Orphanet 655, MedGen C0687120, MONDO:0019005, HP:0000090.
Meckel-Gruber syndrome. Also called: DYSENCEPHALIA SPLANCHNOCYSTICA; GRUBER SYNDROME; Dysencephalia splachnocystica. Identifiers: Orphanet 564, MedGen C0265215, MONDO:0018921.
Joubert syndrome. Also called: CEREBELLOPARENCHYMAL DISORDER IV; JOUBERT-BOLTSHAUSER SYNDROME; Familial aplasia of the vermis. Identifiers: Orphanet 475, MedGen C5979921, MONDO:0018772.

Submission:

Labcorp Genetics (formerly Invitae), Labcorp
Classification: Uncertain significance for Joubert syndrome; Meckel-Gruber syndrome; Nephronophthisis. Last evaluated: 2023-12-11. Review status: criteria provided, single submitter. Criteria: Invitae Variant Classification Sherloc (09022015). Collection method: clinical testing. Allele origin: germline.
Comment: This sequence change replaces leucine, which is neutral and non-polar, with phenylalanine, which is neutral and non-polar, at codon 868 of the CEP290 protein (p.Leu868Phe). This variant is not present in population databases (gnomAD no frequency). This variant has not been reported in the literature in individuals affected with CEP290-related conditions. ClinVar contains an entry for this variant (Variation ID: 1896585). Advanced modeling of protein sequence and biophysical properties (such as structural, functional, and spatial information, amino acid conservation, physicochemical variation, residue mobility, and thermodynamic stability) performed at Invitae indicates that this missense variant is expected to disrupt CEP290 protein function with a positive predictive value of 80%. Algorithms developed to predict the effect of sequence changes on RNA splicing suggest that this variant may disrupt the consensus splice site. In summary, the available evidence is currently insufficient to determine the role of this variant in disease. Therefore, it has been classified as a Variant of Uncertain Significance.